The following is an entry in ClinVar:

NM_032776.3(JMJD1C):c.1642A>G (p.Ile548Val)

Gene: JMJD1C (jumonji domain containing 1C; minus strand). Cytogenetic location: 10q21.3.
Variant type: single nucleotide variant.
Coding change: c.1642A>G on transcript NM_032776.3 (MANE Select); coding-DNA position 1642, A replaced by G.
Protein change: p.Ile548Val; replaces isoleucine 548 with valine.
Molecular consequence: missense variant. On other transcripts: non-coding transcript variant (1).
Genome position (GRCh38, 1-based): chr10:63,214,525, T>C on the plus strand (A>G on the coding strand, the complement: JMJD1C is on the minus strand). VCF-style: chr10-63214525-T-C. GRCh37 (hg19) VCF-style: chr10-64974285-T-C.
Other names: c.1096A>G, p.Ile366Val (NM_001282948.2, NM_001318154.2); c.778A>G, p.Ile260Val (NM_001318153.2); c.1528A>G, p.Ile510Val (NM_001322252.2); c.985A>G, p.Ile329Val (NM_001322254.2, NM_001322258.2); short protein forms I329V, I510V, I260V, I366V, I548V.
Identifiers: ClinVar variation 1045163 (VCV001045163.8), dbSNP rs753082253, ClinGen allele CA5518774.

ClinVar aggregate classification (germline): Uncertain significance (1 of 4 stars; one submission).

Conditions:
Early Myoclonic Encephalopathy. Identifiers: MedGen C0270855.

Allele frequency attached by ClinVar (database versions not stated): TOPMed 0.00002; gnomAD 0.00003; gnomAD exomes 0.00001; ExAC 0.00002.
gnomAD v4.1: 25 of 1,613,856 alleles (0.0015%); highest among the groups gnomAD compares: Non-Finnish European, 0.002%; no homozygotes.

Submission:

Labcorp Genetics (formerly Invitae), Labcorp
Classification: Uncertain significance for Early Myoclonic Encephalopathy. Last evaluated: 2024-01-02. Review status: criteria provided, single submitter. Criteria: Invitae Variant Classification Sherloc (09022015). Collection method: clinical testing. Allele origin: germline.
Comment: This sequence change replaces isoleucine, which is neutral and non-polar, with valine, which is neutral and non-polar, at codon 548 of the JMJD1C protein (p.Ile548Val). This variant is present in population databases (rs753082253, gnomAD 0.003%). This variant has not been reported in the literature in individuals affected with JMJD1C-related conditions. ClinVar contains an entry for this variant (Variation ID: 1045163). Algorithms developed to predict the effect of missense changes on protein structure and function output the following: SIFT: "Not Available"; PolyPhen-2: "Benign"; Align-GVGD: "Not Available". The valine amino acid residue is found in multiple mammalian species, which suggests that this missense change does not adversely affect protein function. In summary, the available evidence is currently insufficient to determine the role of this variant in disease. Therefore, it has been classified as a Variant of Uncertain Significance.